The following is an entry in ClinVar:

NM_006231.4(POLE):c.2111C>T (p.Ala704Val)

Gene: POLE (DNA polymerase epsilon, catalytic subunit; minus strand). Cytogenetic location: 12q24.33.
Variant type: single nucleotide variant.
Coding change: c.2111C>T on transcript NM_006231.4 (MANE Select); coding-DNA position 2111, C replaced by T.
Protein change: p.Ala704Val; replaces alanine 704 with valine.
Molecular consequence: missense variant.
Genome position (GRCh38, 1-based): chr12:132,668,418, G>A on the plus strand (C>T on the coding strand, the complement: POLE is on the minus strand). VCF-style: chr12-132668418-G-A. GRCh37 (hg19) VCF-style: chr12-133245004-G-A.
Other names: short protein forms A704V.
Identifiers: ClinVar variation 4141236 (VCV004141236.1).

ClinVar aggregate classification (germline): Uncertain significance (1 of 4 stars; one submission).

Conditions:
Hereditary cancer-predisposing syndrome. Also called: Hereditary neoplastic syndrome; Neoplastic Syndromes, Hereditary; Tumor predisposition; Hereditary Cancer Syndrome. Identifiers: Orphanet 140162, MedGen C0027672, MeSH D009386, MONDO:0015356.

gnomAD v4.1: 1 of 1,612,772 alleles (0.000062%); highest among the groups gnomAD compares: Non-Finnish European, 0.000085%; no homozygotes.

Submission:

Ambry Genetics
Classification: Uncertain significance for Hereditary cancer-predisposing syndrome. Last evaluated: 2025-09-01. Review status: criteria provided, single submitter. Criteria: Ambry Variant Classification Scheme 2023. Collection method: clinical testing. Allele origin: germline.
Comment: The p.A704V variant (also known as c.2111C>T), located in coding exon 19 of the POLE gene, results from a C to T substitution at nucleotide position 2111. The alanine at codon 704 is replaced by valine, an amino acid with similar properties. This amino acid position is conserved. In addition, this alteration is predicted to be tolerated by in silico analysis. Based on the available evidence, the clinical significance of this variant remains unclear.